The following is an entry in ClinVar:

ClinVar aggregate classification (germline): Pathogenic (0 of 4 stars; one submission).

Submission:

GenMed Metabolism Lab
Classification: Pathogenic. Review status: no assertion criteria provided. Collection method: not provided. Allele origin: unknown.
Comment: p.Asn161Asp, Neonatal
ClinVar note: Converted during submission from pathogenic to Pathogenic.

NM_000531.6(OTC):c.481A>G (p.Asn161Asp)

Gene: OTC (ornithine transcarbamylase; plus strand). Cytogenetic location: Xp11.4.
Variant type: single nucleotide variant.
Coding change: c.481A>G on transcript NM_000531.6 (MANE Select); coding-DNA position 481, A replaced by G.
Protein change: p.Asn161Asp; replaces asparagine 161 with aspartic acid.
Molecular consequence: missense variant.
Genome position (GRCh38, 1-based): chrX:38,401,369, A>G. VCF-style: chrX-38401369-A-G. GRCh37 (hg19) VCF-style: chrX-38260622-A-G.
Other names: short protein forms N161D.
Identifiers: ClinVar variation 97215 (VCV000097215.2), dbSNP rs72556270, ClinGen allele CA224633.